The following is an entry in ClinVar:

ClinVar aggregate classification (germline): Uncertain significance (1 of 4 stars; one submission).

Conditions:
Retinoblastoma (RB1). Also called: RETINOBLASTOMA, SOMATIC. Identifiers: Orphanet 790, MedGen C0035335, MeSH D012175, MONDO:0008380, OMIM 180200, HP:0009919. Disease mechanism: loss of function. Inheritance: Both sporadic and heritable forms are tested..

Submission:

Labcorp Genetics (formerly Invitae), Labcorp
Classification: Uncertain significance for Retinoblastoma. Last evaluated: 2022-04-30. Review status: criteria provided, single submitter. Criteria: Invitae Variant Classification Sherloc (09022015). Collection method: clinical testing. Allele origin: germline.
Comment: In summary, the available evidence is currently insufficient to determine the role of this variant in disease. Therefore, it has been classified as a Variant of Uncertain Significance. Algorithms developed to predict the effect of missense changes on protein structure and function (SIFT, PolyPhen-2, Align-GVGD) all suggest that this variant is likely to be disruptive. This variant has not been reported in the literature in individuals affected with RB1-related conditions. This variant is not present in population databases (gnomAD no frequency). This sequence change replaces aspartic acid, which is acidic and polar, with histidine, which is basic and polar, at codon 718 of the RB1 protein (p.Asp718His).

NM_000321.3(RB1):c.2152G>C (p.Asp718His)

Gene: RB1 (RB transcriptional corepressor 1; plus strand). Cytogenetic location: 13q14.2.
Variant type: single nucleotide variant.
Coding change: c.2152G>C on transcript NM_000321.3 (MANE Select); coding-DNA position 2152, G replaced by C.
Protein change: p.Asp718His; replaces aspartic acid 718 with histidine.
Molecular consequence: missense variant.
Genome position (GRCh38, 1-based): chr13:48,463,776, G>C. VCF-style: chr13-48463776-G-C. GRCh37 (hg19) VCF-style: chr13-49037912-G-C.
Other names: short protein forms D718H.
Identifiers: ClinVar variation 1479913 (VCV001479913.9), dbSNP rs2138342396, ClinGen allele CA388167107.
Genomic context (GRCh38, chr13:48,463,776, plus strand): 5'-CAATTTATTTACTAGATTATGATGTGTTCCATGTATGGCATATGCAAAGTGAAGAATATA[G>C]ACCTTAAATTCAAAATCATTGTAACAGCATACAAGGATCTTCCTCATGCTGTTCAGGAGG-3'
Protein context (NP_000312.2, residues 708-728): MYGICKVKNI[Asp718His]LKFKIIVTAY